The following is an entry in ClinVar:

NM_006397.3(RNASEH2A):c.562C>T (p.Gln188Ter)

Gene: RNASEH2A (ribonuclease H2 subunit A; plus strand). Cytogenetic location: 19p13.13.
Variant type: single nucleotide variant.
Coding change: c.562C>T on transcript NM_006397.3 (MANE Select); coding-DNA position 562, C replaced by T.
Protein change: p.Gln188Ter; replaces glutamine 188 with a stop codon.
Molecular consequence: nonsense.
Genome position (GRCh38, 1-based): chr19:12,810,329, C>T. VCF-style: chr19-12810329-C-T. GRCh37 (hg19) VCF-style: chr19-12921143-C-T.
Other names: short protein forms Q188*.
Identifiers: ClinVar variation 5005927 (VCV005005927.2).

ClinVar aggregate classification (germline): Likely pathogenic (1 of 4 stars; one submission).

Conditions:
Aicardi-Goutieres syndrome 4. Identifiers: Orphanet 51, MedGen C1835912, MONDO:0012472, OMIM 610333.

gnomAD v4.1: 1 of 1,614,142 alleles (0.000062%); no homozygotes.

Submission:

Juno Genomics, Hangzhou Juno Genomics, Inc
Classification: Likely pathogenic for Aicardi-Goutieres syndrome 4. Review status: criteria provided, single submitter. Criteria: ACMG Guidelines, 2015. Collection method: clinical testing. Allele origin: germline.
Comment: Null variant in a gene where loss of function (LOF) is a known mechanism of disease.;Absent from controls (or at extremely low frequency if recessive) in Genome Aggregation Database.